The following is an entry in ClinVar:

NM_000542.5(SFTPB):c.*1591C>A

Gene: SFTPB (surfactant protein B; minus strand). Cytogenetic location: 2p11.2.
Variant type: single nucleotide variant.
Coding change: c.*1591C>A on transcript NM_000542.5 (MANE Select); 1591 bases downstream of the stop codon, C replaced by A.
Molecular consequence: 3 prime UTR variant.
Genome position (GRCh38, 1-based): chr2:85,658,111, G>T on the plus strand (C>A on the coding strand, the complement: SFTPB is on the minus strand). VCF-style: chr2-85658111-G-T. GRCh37 (hg19) VCF-style: chr2-85885234-G-T.
Other names: c.*670C>A (NM_001367281.2); c.*764C>A (NM_198843.4).
Identifiers: ClinVar variation 895187 (VCV000895187.4), dbSNP rs556431838, ClinGen allele CA51748234.
Genomic context (GRCh38, chr2:85,658,111, plus strand): 5'-TTCTTTTGTGGATCTTCAGTTGCTTCAGGCCATCTGGGTGTATACGTGCAGGGCACAGGG[G>T]ATATGATGGCTTAGCTTGGGCTCAGAGGCCTGACAGTGGGTAATTTCCACTCTCTTTGTC-3'

ClinVar aggregate classification (germline): Likely benign (1 of 4 stars; one submission).

Conditions:
Surfactant metabolism dysfunction, pulmonary, 1. Also called: INTERSTITIAL LUNG DISEASE DUE TO SURFACTANT PROTEIN B DEFICIENCY; INTERSTITIAL LUNG DISEASE, NONSPECIFIC, DUE TO SURFACTANT PROTEIN B DEFICIENCY; PULMONARY ALVEOLAR PROTEINOSIS, CONGENITAL, 1; Pulmonary surfactant protein B, deficiency of; Neonatal acute respiratory distress due to SP-B deficiency. Identifiers: Orphanet 217563, MedGen C1968602, MONDO:0009929, OMIM 265120.

Allele frequency attached by ClinVar (database versions not stated): 1000 Genomes Project 30x 0.00234; 1000 Genomes Project 0.00260; TOPMed 0.00283.

Submission:

Illumina Laboratory Services, Illumina
Classification: Likely benign for Surfactant metabolism dysfunction, pulmonary, 1. Last evaluated: 2018-01-12. Review status: criteria provided, single submitter. Criteria: ICSL Variant Classification Criteria 13 December 2019. Collection method: clinical testing. Allele origin: germline.
Comment: This variant was observed in the ICSL laboratory as part of a predisposition screen in an ostensibly healthy population. It had not been previously curated by ICSL or reported in the Human Gene Mutation Database (HGMD: prior to June 1st, 2018), and was therefore a candidate for classification through an automated scoring system. Utilizing variant allele frequency, disease prevalence and penetrance estimates, and inheritance mode, an automated score was calculated to assess if this variant is too frequent to cause the disease. Based on the score and internal cut-off values, a variant classified as likely benign is not then subjected to further curation. The score for this variant resulted in a classification of likely benign for this disease.